The following is an entry in ClinVar:

NM_012424.6(RPS6KC1):c.1467T>G (p.Asp489Glu)

Gene: RPS6KC1 (ribosomal protein S6 kinase C1; plus strand). Cytogenetic location: 1q32.3.
Variant type: single nucleotide variant.
Coding change: c.1467T>G on transcript NM_012424.6 (MANE Select); coding-DNA position 1467, T replaced by G.
Protein change: p.Asp489Glu; replaces aspartic acid 489 with glutamic acid.
Molecular consequence: missense variant. On other transcripts: non-coding transcript variant (4).
Genome position (GRCh38, 1-based): chr1:213,240,943, T>G. VCF-style: chr1-213240943-T-G. GRCh37 (hg19) VCF-style: chr1-213414286-T-G.
Other names: c.1431T>G, p.Asp477Glu (NM_001136138.4); c.831T>G, p.Asp277Glu (NM_001287218.3, NM_001287219.3, NM_001349654.2); c.72T>G, p.Asp24Glu (NM_001287220.3, NM_001349672.2, NM_001349663.2 and 8 more transcripts); c.924T>G, p.Asp308Glu (NM_001287221.3, NM_001349648.2, NM_001349649.2 and 4 more transcripts); c.1374T>G, p.Asp458Glu (NM_001349646.2); c.1104T>G, p.Asp368Glu (NM_001349647.2); c.576T>G, p.Asp192Glu (NM_001349657.2, NM_001349658.2); c.411T>G, p.Asp137Glu (NM_001349659.2, NM_001349660.2, NM_001349661.2 and 1 more transcripts); short protein forms D137E, D192E, D24E, D277E, D477E, D489E, D308E, D368E.
Identifiers: ClinVar variation 3674665 (VCV003674665.2).

ClinVar aggregate classification (germline): Uncertain significance (1 of 4 stars; one submission).

Submission:

Labcorp Genetics (formerly Invitae), Labcorp
Classification: Uncertain significance. Last evaluated: 2024-12-31. Review status: criteria provided, single submitter. Criteria: Invitae Variant Classification Sherloc (09022015). Collection method: clinical testing. Allele origin: germline.
Comment: This sequence change replaces aspartic acid, which is acidic and polar, with glutamic acid, which is acidic and polar, at codon 489 of the RPS6KC1 protein (p.Asp489Glu). This variant is not present in population databases (gnomAD no frequency). This variant has not been reported in the literature in individuals affected with RPS6KC1-related conditions. An algorithm developed to predict the effect of missense changes on protein structure and function outputs the following: PolyPhen-2: "Benign". The glutamic acid amino acid residue is found in multiple mammalian species, which suggests that this missense change does not adversely affect protein function. In summary, the available evidence is currently insufficient to determine the role of this variant in disease. Therefore, it has been classified as a Variant of Uncertain Significance.